The following is an entry in ClinVar:

NM_000489.6(ATRX):c.2263A>G (p.Asn755Asp)

Gene: ATRX (ATRX chromatin remodeler; minus strand). Cytogenetic location: Xq21.1.
Variant type: single nucleotide variant.
Coding change: c.2263A>G on transcript NM_000489.6 (MANE Select); coding-DNA position 2263, A replaced by G.
Protein change: p.Asn755Asp; replaces asparagine 755 with aspartic acid.
Molecular consequence: missense variant.
Genome position (GRCh38, 1-based): chrX:77,682,993, T>C on the plus strand (A>G on the coding strand, the complement: ATRX is on the minus strand). VCF-style: chrX-77682993-T-C. GRCh37 (hg19) VCF-style: chrX-76938485-T-C.
Other names: c.2149A>G, p.Asn717Asp (NM_138270.5); short protein forms N717D, N755D.
Identifiers: ClinVar variation 2772615 (VCV002772615.3), dbSNP rs2519949865, ClinGen allele CA413712816.
Genomic context (GRCh38, chrX:77,682,993, plus strand): 5'-CATCTTTCCCCGCCTGAGTCTTTAAATCATACAAAGTCTTATGGTTTGTATGAATTTCAT[T>C]AATATCAGTATCTGAAGAAGAACTGTGACTCATCCTGCTCACCTCTTTGAGGATTGCTAG-3'
Protein context (NP_000480.3, residues 745-765): SHSSSSDTDI[Asn755Asp]EIHTNHKTLY

ClinVar aggregate classification (germline): Uncertain significance (1 of 4 stars; one submission).

Conditions:
Alpha thalassemia-X-linked intellectual disability syndrome (ATRX). Also called: ALPHA-THALASSEMIA/MENTAL RETARDATION SYNDROME, X-LINKED; ATR, NONDELETION TYPE; ATR-X syndrome; Alpha thalassemia mental retardation syndrome, nondeletion type, X-linked; XLMR hypotonic face syndrome; X-linked alpha-thalassemia-mental retardation syndrome. Identifiers: Orphanet 847, MedGen C1845055, MONDO:0010519, OMIM 301040.

Submission:

Labcorp Genetics (formerly Invitae), Labcorp
Classification: Uncertain significance for Alpha thalassemia-X-linked intellectual disability syndrome. Last evaluated: 2023-10-29. Review status: criteria provided, single submitter. Criteria: Invitae Variant Classification Sherloc (09022015). Collection method: clinical testing. Allele origin: germline.
Comment: This sequence change replaces asparagine, which is neutral and polar, with aspartic acid, which is acidic and polar, at codon 755 of the ATRX protein (p.Asn755Asp). This variant is not present in population databases (gnomAD no frequency). This variant has not been reported in the literature in individuals affected with ATRX-related conditions. Advanced modeling of protein sequence and biophysical properties (such as structural, functional, and spatial information, amino acid conservation, physicochemical variation, residue mobility, and thermodynamic stability) performed at Invitae indicates that this missense variant is not expected to disrupt ATRX protein function with a negative predictive value of 95%. In summary, the available evidence is currently insufficient to determine the role of this variant in disease. Therefore, it has been classified as a Variant of Uncertain Significance.